The following is an entry in ClinVar:

ClinVar aggregate classification (germline): Uncertain significance (1 of 4 stars; one submission).

Conditions:
Epidermolysis bullosa simplex 5B, with muscular dystrophy (EBS5B). Also called: Epidermolysis bullosa simplex with muscular dystrophy; EPIDERMOLYSIS BULLOSA SIMPLEX AND LIMB-GIRDLE MUSCULAR DYSTROPHY. Identifiers: Orphanet 257, MedGen C2931072, MONDO:0009181, OMIM 226670.
Autosomal recessive limb-girdle muscular dystrophy type 2Q (LGMDR17). Also called: MUSCULAR DYSTROPHY, LIMB-GIRDLE, AUTOSOMAL RECESSIVE 17. Identifiers: Orphanet 254361, MedGen C3150989, MONDO:0013390, OMIM 613723.
Epidermolysis bullosa simplex with nail dystrophy (EBS5D). Identifiers: MedGen C4225309, MONDO:0014661, OMIM 616487.
Epidermolysis bullosa simplex 5C, with pyloric atresia (EBS5C). Also called: Epidermolysis bullosa simplex with pyloric atresia; PLEC-Related Epidermolysis Bullosa with Pyloric Atresia; PLEC1-Related Epidermolysis Bullosa with Pyloric Atresia. Identifiers: Orphanet 158684, MedGen C2677349, MONDO:0012807, OMIM 612138.
Epidermolysis bullosa simplex, Ogna type (EBS5A). Also called: EPIDERMOLYSIS BULLOSA SIMPLEX 5A, OGNA TYPE; Pidermolysis bullosa simplex 5A, Ogna type. Identifiers: Orphanet 79401, MedGen C0432317, MONDO:0007555, OMIM 131950.

Submission:

Labcorp Genetics (formerly Invitae), Labcorp
Classification: Uncertain significance for Autosomal recessive limb-girdle muscular dystrophy type 2Q; Epidermolysis bullosa simplex, Ogna type; Epidermolysis bullosa simplex with nail dystrophy; Epidermolysis bullosa simplex 5C, with pyloric atresia; Epidermolysis bullosa simplex 5B, with muscular dystrophy. Last evaluated: 2022-06-13. Review status: criteria provided, single submitter. Criteria: Invitae Variant Classification Sherloc (09022015). Collection method: clinical testing. Allele origin: germline.
Comment: This variant has not been reported in the literature in individuals affected with PLEC-related conditions. In summary, the available evidence is currently insufficient to determine the role of this variant in disease. Therefore, it has been classified as a Variant of Uncertain Significance. Algorithms developed to predict the effect of missense changes on protein structure and function are either unavailable or do not agree on the potential impact of this missense change (SIFT: "Deleterious"; PolyPhen-2: "Not Available"; Align-GVGD: "Class C15"). This variant is not present in population databases (gnomAD no frequency). This sequence change replaces glutamine, which is neutral and polar, with histidine, which is basic and polar, at codon 438 of the PLEC protein (p.Gln438His).

NM_201384.3(PLEC):c.1233G>T (p.Gln411His)

Genes: PLEC (plectin; minus strand), LOC130001334 (ATAC-STARR-seq lymphoblastoid silent region 19628; plus strand). Cytogenetic location: 8q24.3.
Variant type: single nucleotide variant.
Coding change: c.1233G>T on transcript NM_201384.3 (MANE Select); coding-DNA position 1233, G replaced by T.
Protein change: p.Gln411His; replaces glutamine 411 with histidine.
Molecular consequence: missense variant.
Genome position (GRCh38, 1-based): chr8:143,934,028, C>A on the plus strand (G>T on the coding strand, the complement: PLEC is on the minus strand). VCF-style: chr8-143934028-C-A. GRCh37 (hg19) VCF-style: chr8-145008196-C-A.
Other names: c.1314G>T, p.Gln438His (NM_000445.5); c.1191G>T, p.Gln397His (NM_201378.4); c.1167G>T, p.Gln389His (NM_201379.3); c.1644G>T, p.Gln548His (NM_201380.4); c.1137G>T, p.Gln379His (NM_201381.3); c.1233G>T, p.Gln411His (NM_201382.4); c.1245G>T, p.Gln415His (NM_201383.3); short protein forms Q411H, Q397H, Q438H, Q379H, Q548H, Q389H, Q415H.
Identifiers: ClinVar variation 1505922 (VCV001505922.8), dbSNP rs782308508, ClinGen allele CA372583945.